The following is an entry in ClinVar:

NM_000051.4(ATM):c.279G>C (p.Lys93Asn)

Gene: ATM (ATM serine/threonine kinase; plus strand). Cytogenetic location: 11q22.3.
Variant type: single nucleotide variant.
Coding change: c.279G>C on transcript NM_000051.4 (MANE Select); coding-DNA position 279, G replaced by C.
Protein change: p.Lys93Asn; replaces lysine 93 with asparagine.
Molecular consequence: missense variant.
Genome position (GRCh38, 1-based): chr11:108,229,271, G>C. VCF-style: chr11-108229271-G-C. GRCh37 (hg19) VCF-style: chr11-108099998-G-C.
Other names: c.279G>C, p.Lys93Asn (NM_001351834.2, NM_001351835.2, NM_001351836.2); short protein forms K93N.
Identifiers: ClinVar variation 998768 (VCV000998768.6), dbSNP rs368196317, ClinGen allele CA382521677.

ClinVar aggregate classification (germline): Uncertain significance (1 of 4 stars; one submission).

Conditions:
Ataxia-telangiectasia syndrome (AT). Also called: Ataxia-telangiectasia, complementation group D; AT, COMPLEMENTATION GROUP C; ATAXIA-TELANGIECTASIA, FRESNO VARIANT; ATAXIA-TELANGIECTASIA, COMPLEMENTATION GROUP A; Ataxia-telangiectasia, complementation group E; Ataxia telangiectasia (A-T). Identifiers: Orphanet 100, MedGen C0004135, MONDO:0008840, OMIM 208900.

Submission:

Labcorp Genetics (formerly Invitae), Labcorp
Classification: Uncertain significance for Ataxia-telangiectasia syndrome. Last evaluated: 2021-08-24. Review status: criteria provided, single submitter. Criteria: Invitae Variant Classification Sherloc (09022015). Collection method: clinical testing. Allele origin: germline.
Comment: This sequence change replaces lysine with asparagine at codon 93 of the ATM protein (p.Lys93Asn). The lysine residue is moderately conserved and there is a moderate physicochemical difference between lysine and asparagine. This variant is not present in population databases (ExAC no frequency). This variant has not been reported in the literature in individuals affected with ATM-related conditions. Algorithms developed to predict the effect of missense changes on protein structure and function (SIFT, PolyPhen-2, Align-GVGD) all suggest that this variant is likely to be disruptive. In summary, the available evidence is currently insufficient to determine the role of this variant in disease. Therefore, it has been classified as a Variant of Uncertain Significance.